The following is an entry in ClinVar:

ClinVar aggregate classification (germline): Uncertain significance (1 of 4 stars; one submission).

Conditions:
Joubert syndrome 8 (JBTS8). Identifiers: Orphanet 475, MedGen C2676771, MONDO:0012855, OMIM 612291.

Submission:

Labcorp Genetics (formerly Invitae), Labcorp
Classification: Uncertain significance for Joubert syndrome 8. Last evaluated: 2019-08-22. Review status: criteria provided, single submitter. Criteria: Invitae Variant Classification Sherloc (09022015). Collection method: clinical testing. Allele origin: germline.
Comment: This variant results in a copy number gain of the genomic region encompassing exons 1 to 3 of the ARL13B gene, which includes the initiator codon. The 5' end of this event is unknown as it extends beyond the assayed region for this gene and therefore may encompass additional genes. The 3' boundary is likely confined to intron 3 of the ARL13B gene. As the precise location of this event is unknown, it may be in tandem or it may be located elsewhere in the genome. This variant has not been reported in the literature in individuals with ARL13B-related conditions. In summary, the available evidence is currently insufficient to determine the role of this variant in disease. Therefore, it has been classified as a Variant of Uncertain Significance.

NC_000003.12:g.(?_93874245)_(94015269_?)dup

Genes: PROS1 (protein S; minus strand), ARL13B (ARF like GTPase 13B; plus strand), STX19 (syntaxin 19; minus strand). Cytogenetic location: 3q11.1.
Variant type: Duplication.
Identifiers: ClinVar variation 831583 (VCV000831583.1).